The following is an entry in ClinVar:

NM_000088.4(COL1A1):c.247_251dup (p.Glu85fs)

Gene: COL1A1 (collagen type I alpha 1 chain; minus strand). Cytogenetic location: 17q21.33.
Variant type: Duplication.
Coding change: c.247_251dup on transcript NM_000088.4 (MANE Select); coding-DNA positions 247 to 251, 5 bases duplicated (GGCGC; older notation c.247_251dupGGCGC).
Protein change: p.Glu85fs; shifts the reading frame from glutamic acid 85.
Molecular consequence: frameshift variant.
Genome position (GRCh38, 1-based): chr17:50,199,800-50,199,804, GCGCC duplicated on the plus strand (GGCGC on the coding strand, the reverse complement: COL1A1 is on the minus strand); duplicating any 5 consecutive bases within chr17:50,199,800-50,199,805 gives the same sequence; the c. name uses the placement nearest the transcript's 3' end. VCF-style (leftmost placement, unchanged base first): chr17-50199799-G-GGCGCC. GRCh37 (hg19) VCF-style: chr17-48277160-G-GGCGCC.
Other names: short protein forms E85fs.
Identifiers: ClinVar variation 4731796 (VCV004731796.1).
Genomic context (GRCh38, chr17:50,199,799, plus strand): 5'-GAGCGCAGCCGCACCTGAGCCGTCGGGGCAGACGGGACAGCACTCGCCCTCGGGGACTTC[G>GGCGCC]GCGCCGGGGCAGTTCTTGGTCTCGTCACAGATCACGTCATCGCACAACACCTTGCCGTTG-3'

ClinVar aggregate classification (germline): Pathogenic (1 of 4 stars; one submission).

Conditions:
Osteogenesis imperfecta type I (OI1). Also called: Osteogenesis imperfecta type 1; Lobstein's Disease; OI, TYPE I; OSTEOGENESIS IMPERFECTA TARDA; OSTEOGENESIS IMPERFECTA WITH BLUE SCLERAE; Lobstein disease. Identifiers: Orphanet 216796, Orphanet 666, MedGen C0023931, MONDO:0008146, OMIM 166200. Disease mechanism: loss of function.

Submission:

Labcorp Genetics (formerly Invitae), Labcorp
Classification: Pathogenic for Osteogenesis imperfecta type I. Last evaluated: 2025-11-28. Review status: criteria provided, single submitter. Criteria: Invitae Variant Classification Sherloc (09022015). Collection method: clinical testing. Allele origin: germline.
Comment: This sequence change creates a premature translational stop signal (p.Glu85Alafs*182) in the COL1A1 gene. It is expected to result in an absent or disrupted protein product. Loss-of-function variants in COL1A1 are known to be pathogenic (PMID: 7942841, 9295084, 9443882). This variant is not present in population databases (gnomAD no frequency). This variant has not been reported in the literature in individuals affected with COL1A1-related conditions. For these reasons, this variant has been classified as Pathogenic.

Literature cited by the submitters: PubMed 7942841; PubMed 9295084; PubMed 9443882.